The following is an entry in ClinVar:

ClinVar aggregate classification (germline): Benign/Likely benign. Review status: criteria provided, multiple submitters, no conflicts (2 of 4 stars). 6 submissions from 6 submitters: Benign (2); Likely benign (3). 1 of the submissions does not count toward it. Last evaluated 2026-01-28.

Conditions:
Neural tube defects, folate-sensitive (NTDFS). Also called: NTD, FOLATE-SENSITIVE. Identifiers: Orphanet 823, MedGen C1866558, MONDO:0011120, OMIM 601634.
Methylcobalamin deficiency type cblG (HMAG). Also called: HOMOCYSTINURIA-MEGALOBLASTIC ANEMIA, cblG TYPE; HOMOCYSTINURIA-MEGALOBLASTIC ANEMIA, cblG COMPLEMENTATION TYPE; Functional methionine synthase deficiency type cblG; HOMOCYSTINURIA-MEGALOBLASTIC ANEMIA DUE TO DEFECT IN COBALAMIN METABOLISM, cblG COMPLEMENTATION TYPE. Identifiers: Orphanet 2170, Orphanet 622, MedGen C1855128, MONDO:0009609, OMIM 250940.
Disorders of Intracellular Cobalamin Metabolism. Identifiers: MedGen CN043592.
MTR-related disorder. Also called: MTR-related condition.

Allele frequency attached by ClinVar (database versions not stated): gnomAD 0.00036 and 0.00051; gnomAD exomes 0.00039 and 0.00105; TOPMed 0.00071; ExAC 0.00103; 1000 Genomes Project 30x 0.00281; 1000 Genomes Project 0.00300.
gnomAD v4.1: 666 of 1,613,128 alleles (0.041%); highest among the groups gnomAD compares: East Asian, 1.1%; 4 homozygotes.

Submissions (8):

Labcorp Genetics (formerly Invitae), Labcorp
Classification: Benign for Methylcobalamin deficiency type cblG. Last evaluated: 2026-01-28. Review status: criteria provided, single submitter. Criteria: Invitae Variant Classification Sherloc (09022015). Collection method: clinical testing. Allele origin: germline.

Blueprint Genetics
Classification: Likely benign. Last evaluated: 2024-10-15. Review status: criteria provided, single submitter. Criteria: ACMG Guidelines, 2015. Collection method: clinical testing. Allele origin: germline.

Fulgent Genetics
Classification: Likely benign for Methylcobalamin deficiency type cblG; Neural tube defects, folate-sensitive. Last evaluated: 2021-10-21. Review status: criteria provided, single submitter. Criteria: ACMG Guidelines, 2015. Collection method: clinical testing. Allele origin: unknown.

GeneDx
Classification: Likely benign. Last evaluated: 2018-04-16. Review status: criteria provided, single submitter. Criteria: GeneDx Variant Classification Process June 2021. Collection method: clinical testing. Allele origin: germline. Affected: yes.

Illumina Laboratory Services, Illumina
Classification: Benign for Disorders of Intracellular Cobalamin Metabolism. Last evaluated: 2018-01-13. Review status: criteria provided, single submitter. Criteria: ICSL Variant Classification Criteria 13 December 2019. Collection method: clinical testing. Allele origin: germline.
Comment: This variant was observed in the ICSL laboratory as part of a predisposition screen in an ostensibly healthy population. It had not been previously curated by ICSL or reported in the Human Gene Mutation Database (HGMD: prior to June 1st, 2018), and was therefore a candidate for classification through an automated scoring system. Utilizing variant allele frequency, disease prevalence and penetrance estimates, and inheritance mode, an automated score was calculated to assess if this variant is too frequent to cause the disease. Based on the score and internal cut-off values, a variant classified as benign is not then subjected to further curation. The score for this variant resulted in a classification of benign for this disease.

PreventionGenetics, part of Exact Sciences
Classification: Benign for MTR-related condition. Last evaluated: 2019-04-26. Review status: no assertion criteria provided. Collection method: clinical testing. Allele origin: germline. Not counted in ClinVar's aggregate classification.
Comment: This variant is classified as benign based on ACMG/AMP sequence variant interpretation guidelines (Richards et al. 2015 PMID: 25741868, with internal and published modifications).

Dr. Peter K. Rogan Lab, Western University
No classification provided (evidence only). Condition: Sarcoma. Review status: no classification provided. Collection method: in vitro. Allele origin: not applicable. Functional consequence: retained intron. Not counted in ClinVar's aggregate classification.

Dr. Peter K. Rogan Lab, Western University
No classification provided (evidence only). Condition: Hepatocellular carcinoma. Review status: no classification provided. Collection method: in vitro. Allele origin: not applicable. Functional consequence: retained intron. Not counted in ClinVar's aggregate classification.

NM_000254.3(MTR):c.3712-7T>G

Gene: MTR (5-methyltetrahydrofolate-homocysteine methyltransferase; plus strand). Cytogenetic location: 1q43.
Variant type: single nucleotide variant.
Coding change: c.3712-7T>G on transcript NM_000254.3 (MANE Select); 7 bases into the intron before coding-DNA position 3712, T replaced by G.
Molecular consequence: intron variant.
Genome position (GRCh38, 1-based): chr1:236,897,551, T>G. VCF-style: chr1-236897551-T-G. GRCh37 (hg19) VCF-style: chr1-237060851-T-G.
Other names: c.3559-7T>G (NM_001291939.1); c.2491-7T>G (NM_001291940.2).
Identifiers: ClinVar variation 296585 (VCV000296585.22), dbSNP rs151081130, ClinGen allele CA1474781.